The following is an entry in ClinVar:

ClinVar aggregate classification (germline): Likely benign. Review status: criteria provided, multiple submitters, no conflicts (2 of 4 stars). 4 submissions from 4 submitters: Likely benign (4). Last evaluated 2026-03-24.

Conditions:
Developmental and epileptic encephalopathy, 1 (DEE1). Also called: OHTAHARA SYNDROME, X-LINKED; X-linked infantile spasms; West's syndrome; Tonic spasms with clustering, arrest of psychomotor development and hypsarrhythmia on EEG; X-Linked Infantile Spasm Syndrome; Epileptic encephalopathy, early infantile, 1. Identifiers: MedGen C3463992, MONDO:0010632, OMIM 308350. Disease mechanism: loss of function.
Autosomal recessive spinocerebellar ataxia 12. Also called: SPINOCEREBELLAR ATAXIA WITH MENTAL RETARDATION AND EPILEPSY. Identifiers: Orphanet 284282, MedGen C3280452, MONDO:0013687, OMIM 614322.

Allele frequency attached by ClinVar (database versions not stated): gnomAD 0.00003; TOPMed 0.00003.
gnomAD v4.1: 66 of 1,614,046 alleles (0.0041%); highest among the groups gnomAD compares: African/African-American, 0.0067%; 1 homozygote.

Submissions (4):

Women's Health and Genetics/Laboratory Corporation of America, LabCorp
Classification: Likely benign. Last evaluated: 2026-03-24. Review status: criteria provided, single submitter. Criteria: LabCorp Variant Classification Summary - May 2015. Collection method: clinical testing. Allele origin: germline.

Blueprint Genetics
Classification: Likely benign. Last evaluated: 2024-05-17. Review status: criteria provided, single submitter. Criteria: ACMG Guidelines, 2015. Collection method: clinical testing. Allele origin: germline.

Labcorp Genetics (formerly Invitae), Labcorp
Classification: Likely benign for Developmental and epileptic encephalopathy, 1; Autosomal recessive spinocerebellar ataxia 12. Last evaluated: 2024-04-20. Review status: criteria provided, single submitter. Criteria: Invitae Variant Classification Sherloc (09022015). Collection method: clinical testing. Allele origin: germline.

GeneDx
Classification: Likely benign. Last evaluated: 2016-09-21. Review status: criteria provided, single submitter. Criteria: GeneDx Variant Classification (06012015). Collection method: clinical testing. Allele origin: germline. Affected: yes.
Comment: This variant is considered likely benign or benign based on one or more of the following criteria: it is a conservative change, it occurs at a poorly conserved position in the protein, it is predicted to be benign by multiple in silico algorithms, and/or has population frequency not consistent with disease.

NM_016373.4(WWOX):c.1029C>G (p.Thr343=)

Gene: WWOX (WW domain containing oxidoreductase; plus strand). Cytogenetic location: 16q23.1.
Variant type: single nucleotide variant.
Coding change: c.1029C>G on transcript NM_016373.4 (MANE Select); coding-DNA position 1029, C replaced by G.
Protein change: p.Thr343=; no amino-acid change (threonine 343 retained).
Molecular consequence: synonymous variant.
Genome position (GRCh38, 1-based): chr16:78,432,725, C>G. VCF-style: chr16-78432725-C-G. GRCh37 (hg19) VCF-style: chr16-78466622-C-G.
Other names: c.690C>G, p.Thr230= (NM_001291997.2).
Identifiers: ClinVar variation 389115 (VCV000389115.13), dbSNP rs752273047, ClinGen allele CA8183606.